The following is an entry in ClinVar:

NM_004304.5(ALK):c.400A>G (p.Lys134Glu)

Gene: ALK (ALK receptor tyrosine kinase; minus strand). Cytogenetic location: 2p23.1.
Variant type: single nucleotide variant.
Coding change: c.400A>G on transcript NM_004304.5 (MANE Select); coding-DNA position 400, A replaced by G.
Protein change: p.Lys134Glu; replaces lysine 134 with glutamic acid.
Molecular consequence: missense variant.
Genome position (GRCh38, 1-based): chr2:29,920,260, T>C on the plus strand (A>G on the coding strand, the complement: ALK is on the minus strand). VCF-style: chr2-29920260-T-C. GRCh37 (hg19) VCF-style: chr2-30143126-T-C.
Other names: c.400A>G (NM_004304.4); short protein forms K134E.
Identifiers: ClinVar variation 3678647 (VCV003678647.3).

ClinVar aggregate classification (germline): Uncertain significance. Review status: criteria provided, multiple submitters, no conflicts (2 of 4 stars). 2 submissions from 2 submitters: Uncertain significance (2). Last evaluated 2026-03-13.

Conditions:
Neuroblastoma, susceptibility to, 3. Also called: ALK-Related Neuroblastic Tumor Susceptibility. Identifiers: Orphanet 635, MedGen C2751681, MONDO:0013083, OMIM 613014.
Hereditary cancer-predisposing syndrome. Also called: Hereditary Cancer Syndrome; Neoplastic Syndromes, Hereditary; Tumor predisposition; Hereditary neoplastic syndrome. Identifiers: Orphanet 140162, MedGen C0027672, MeSH D009386, MONDO:0015356.

gnomAD v4.1: 1 of 1,603,276 alleles (0.000062%); highest among the groups gnomAD compares: Non-Finnish European, 0.000085%; no homozygotes.

Submissions (2):

Ambry Genetics
Classification: Uncertain significance for Hereditary cancer-predisposing syndrome. Last evaluated: 2026-03-13. Review status: criteria provided, single submitter. Criteria: Ambry Variant Classification Scheme 2023. Collection method: clinical testing. Allele origin: germline.
Comment: The p.K134E variant (also known as c.400A>G), located in coding exon 1 of the ALK gene, results from an A to G substitution at nucleotide position 400. The lysine at codon 134 is replaced by glutamic acid, an amino acid with similar properties. This amino acid position is conserved. In addition, the in silico prediction for this alteration is inconclusive. Based on the available evidence, the clinical significance of this variant remains unclear.

Labcorp Genetics (formerly Invitae), Labcorp
Classification: Uncertain significance for Neuroblastoma, susceptibility to, 3. Last evaluated: 2024-02-29. Review status: criteria provided, single submitter. Criteria: Invitae Variant Classification Sherloc (09022015). Collection method: clinical testing. Allele origin: germline.
Comment: This sequence change replaces lysine, which is basic and polar, with glutamic acid, which is acidic and polar, at codon 134 of the ALK protein (p.Lys134Glu). This variant is not present in population databases (gnomAD no frequency). This variant has not been reported in the literature in individuals affected with ALK-related conditions. An algorithm developed to predict the effect of missense changes on protein structure and function (PolyPhen-2) suggests that this variant is likely to be disruptive. In summary, the available evidence is currently insufficient to determine the role of this variant in disease. Therefore, it has been classified as a Variant of Uncertain Significance.